The following is an entry in ClinVar:

ClinVar aggregate classification (germline): Uncertain significance (1 of 4 stars; one submission).

Conditions:
Hereditary cancer-predisposing syndrome. Also called: Neoplastic Syndromes, Hereditary; Tumor predisposition; Hereditary Cancer Syndrome; Hereditary neoplastic syndrome. Identifiers: Orphanet 140162, MedGen C0027672, MeSH D009386, MONDO:0015356.

gnomAD v4.1: 2 of 1,614,054 alleles (0.00012%); highest among the groups gnomAD compares: Non-Finnish European, 0.00017%; no homozygotes.

Submission:

Ambry Genetics
Classification: Uncertain significance for Hereditary cancer-predisposing syndrome. Last evaluated: 2024-08-24. Review status: criteria provided, single submitter. Criteria: Ambry Variant Classification Scheme 2023. Collection method: clinical testing. Allele origin: germline.
Comment: The p.Q180H variant (also known as c.540G>T), located in coding exon 6 of the POLE gene, results from a G to T substitution at nucleotide position 540. The glutamine at codon 180 is replaced by histidine, an amino acid with highly similar properties. This amino acid position is conserved. In addition, this alteration is predicted to be tolerated by in silico analysis. Based on the available evidence, the clinical significance of this variant remains unclear.

NM_006231.4(POLE):c.540G>T (p.Gln180His)

Gene: POLE (DNA polymerase epsilon, catalytic subunit; minus strand). Cytogenetic location: 12q24.33.
Variant type: single nucleotide variant.
Coding change: c.540G>T on transcript NM_006231.4 (MANE Select); coding-DNA position 540, G replaced by T.
Protein change: p.Gln180His; replaces glutamine 180 with histidine.
Molecular consequence: missense variant.
Genome position (GRCh38, 1-based): chr12:132,679,535, C>A on the plus strand (G>T on the coding strand, the complement: POLE is on the minus strand). VCF-style: chr12-132679535-C-A. GRCh37 (hg19) VCF-style: chr12-133256121-C-A.
Other names: short protein forms Q180H.
Identifiers: ClinVar variation 3422072 (VCV003422072.1).